The following is an entry in ClinVar:

ClinVar aggregate classification (germline): Uncertain significance (1 of 4 stars; one submission).

gnomAD v4.1: 1 of 1,614,180 alleles (0.000062%); no homozygotes.

Submission:

Ambry Genetics
Classification: Uncertain significance. Last evaluated: 2024-06-29. Review status: criteria provided, single submitter. Criteria: Ambry Variant Classification Scheme 2023. Collection method: clinical testing. Allele origin: germline.
Comment: The p.I161T variant (also known as c.482T>C), located in coding exon 5 of the NQO1 gene, results from a T to C substitution at nucleotide position 482. The isoleucine at codon 161 is replaced by threonine, an amino acid with similar properties. This amino acid position is conserved. In addition, this alteration is predicted to be tolerated by in silico analysis. Based on the available evidence, the clinical significance of this variant remains unclear.

NM_000903.3(NQO1):c.482T>C (p.Ile161Thr)

Gene: NQO1 (NAD(P)H quinone dehydrogenase 1; minus strand). Cytogenetic location: 16q22.1.
Variant type: single nucleotide variant.
Coding change: c.482T>C on transcript NM_000903.3 (MANE Select); coding-DNA position 482, T replaced by C.
Protein change: p.Ile161Thr; replaces isoleucine 161 with threonine.
Molecular consequence: missense variant. On other transcripts: intron variant (2).
Genome position (GRCh38, 1-based): chr16:69,713,065, A>G on the plus strand (T>C on the coding strand, the complement: NQO1 is on the minus strand). VCF-style: chr16-69713065-A-G. GRCh37 (hg19) VCF-style: chr16-69746968-A-G.
Other names: c.368T>C, p.Ile123Thr (NM_001025434.2); c.304-1784T>C (NM_001286137.2); c.418-1784T>C (NM_001025433.2); short protein forms I161T, I123T.
Identifiers: ClinVar variation 3407558 (VCV003407558.1).